The following is an entry in ClinVar:

NM_002303.6(LEPR):c.432G>A (p.Val144=)

Gene: LEPR (leptin receptor; plus strand). Cytogenetic location: 1p31.3.
Variant type: single nucleotide variant.
Coding change: c.432G>A on transcript NM_002303.6 (MANE Select); coding-DNA position 432, G replaced by A.
Protein change: p.Val144=; no amino-acid change (valine 144 retained).
Molecular consequence: synonymous variant.
Genome position (GRCh38, 1-based): chr1:65,572,387, G>A. VCF-style: chr1-65572387-G-A. GRCh37 (hg19) VCF-style: chr1-66038070-G-A.
Other names: c.432G>A, p.Val144= (NM_001003679.3, NM_001003680.3, NM_001198687.2 and 2 more transcripts).
Identifiers: ClinVar variation 4999079 (VCV004999079.1).

ClinVar aggregate classification (germline): Likely benign (1 of 4 stars; one submission).

Conditions:
LEPR-related disorder. Also called: LEPR-related disorders; LEPR-related condition.

Submission:

PreventionGenetics, part of Exact Sciences
Classification: Likely benign for LEPR-related condition. Last evaluated: 2025-10-01. Review status: criteria provided, single submitter. Criteria: ACMG Guidelines, 2015. Collection method: clinical testing. Allele origin: germline.
Comment: This variant is classified as likely benign based on ACMG/AMP sequence variant interpretation guidelines (Richards et al. 2015 PMID: 25741868, with internal and published modifications).